The following is an entry in ClinVar:

ClinVar aggregate classification (germline): Uncertain significance. Review status: criteria provided, multiple submitters, no conflicts (2 of 4 stars). 2 submissions from 2 submitters: Uncertain significance (2). Last evaluated 2025-08-13.

Conditions:
Inborn genetic diseases. Identifiers: MedGen C0950123, MeSH D030342.
Autosomal recessive limb-girdle muscular dystrophy type 2Q (LGMDR17). Also called: MUSCULAR DYSTROPHY, LIMB-GIRDLE, AUTOSOMAL RECESSIVE 17. Identifiers: Orphanet 254361, MedGen C3150989, MONDO:0013390, OMIM 613723.
Epidermolysis bullosa simplex with nail dystrophy (EBS5D). Identifiers: MedGen C4225309, MONDO:0014661, OMIM 616487.
Epidermolysis bullosa simplex 5B, with muscular dystrophy (EBS5B). Also called: EPIDERMOLYSIS BULLOSA SIMPLEX AND LIMB-GIRDLE MUSCULAR DYSTROPHY; Epidermolysis bullosa simplex with muscular dystrophy. Identifiers: Orphanet 257, MedGen C2931072, MONDO:0009181, OMIM 226670.
Epidermolysis bullosa simplex, Ogna type (EBS5A). Also called: EPIDERMOLYSIS BULLOSA SIMPLEX 5A, OGNA TYPE; Pidermolysis bullosa simplex 5A, Ogna type. Identifiers: Orphanet 79401, MedGen C0432317, MONDO:0007555, OMIM 131950.
Epidermolysis bullosa simplex 5C, with pyloric atresia (EBS5C). Also called: PLEC-Related Epidermolysis Bullosa with Pyloric Atresia; Epidermolysis bullosa simplex with pyloric atresia; PLEC1-Related Epidermolysis Bullosa with Pyloric Atresia. Identifiers: Orphanet 158684, MedGen C2677349, MONDO:0012807, OMIM 612138.

Allele frequency attached by ClinVar (database versions not stated): ExAC below 0.00001; gnomAD 0.00001; gnomAD exomes 0.00002; TOPMed 0.00002.
gnomAD v4.1: 26 of 1,554,166 alleles (0.0017%); highest among the groups gnomAD compares: Non-Finnish European, 0.0021%; no homozygotes.

Submissions (2):

Ambry Genetics
Classification: Uncertain significance for Inborn genetic diseases. Last evaluated: 2025-08-13. Review status: criteria provided, single submitter. Criteria: Ambry Variant Classification Scheme 2023. Collection method: clinical testing. Allele origin: germline.

Labcorp Genetics (formerly Invitae), Labcorp
Classification: Uncertain significance for Autosomal recessive limb-girdle muscular dystrophy type 2Q; Epidermolysis bullosa simplex, Ogna type; Epidermolysis bullosa simplex with nail dystrophy; Epidermolysis bullosa simplex 5C, with pyloric atresia; Epidermolysis bullosa simplex 5B, with muscular dystrophy. Last evaluated: 2024-04-18. Review status: criteria provided, single submitter. Criteria: Invitae Variant Classification Sherloc (09022015). Collection method: clinical testing. Allele origin: germline.
Comment: This sequence change replaces serine, which is neutral and polar, with proline, which is neutral and non-polar, at codon 4545 of the PLEC protein (p.Ser4545Pro). This variant is present in population databases (rs782468755, gnomAD 0.004%). This variant has not been reported in the literature in individuals affected with PLEC-related conditions. ClinVar contains an entry for this variant (Variation ID: 487246). Advanced modeling of protein sequence and biophysical properties (such as structural, functional, and spatial information, amino acid conservation, physicochemical variation, residue mobility, and thermodynamic stability) performed at Invitae indicates that this missense variant is not expected to disrupt PLEC protein function with a negative predictive value of 80%. In summary, the available evidence is currently insufficient to determine the role of this variant in disease. Therefore, it has been classified as a Variant of Uncertain Significance.

NM_201384.3(PLEC):c.13552T>C (p.Ser4518Pro)

Gene: PLEC (plectin; minus strand). Cytogenetic location: 8q24.3.
Variant type: single nucleotide variant.
Coding change: c.13552T>C on transcript NM_201384.3 (MANE Select); coding-DNA position 13552, T replaced by C.
Protein change: p.Ser4518Pro; replaces serine 4518 with proline.
Molecular consequence: missense variant.
Genome position (GRCh38, 1-based): chr8:143,916,269, A>G on the plus strand (T>C on the coding strand, the complement: PLEC is on the minus strand). VCF-style: chr8-143916269-A-G. GRCh37 (hg19) VCF-style: chr8-144990437-A-G.
Other names: c.13633T>C, p.Ser4545Pro (NM_000445.5); c.13510T>C, p.Ser4504Pro (NM_201378.4); c.13486T>C, p.Ser4496Pro (NM_201379.3); c.13963T>C, p.Ser4655Pro (NM_201380.4); c.13456T>C, p.Ser4486Pro (NM_201381.3); c.13552T>C, p.Ser4518Pro (NM_201382.4); c.13564T>C, p.Ser4522Pro (NM_201383.3); c.13633T>C (NM_000445.3); short protein forms S4486P, S4496P, S4504P, S4518P, S4522P, S4545P, S4655P.
Identifiers: ClinVar variation 487246 (VCV000487246.13), dbSNP rs782468755, ClinGen allele CA4923759.